The following is an entry in ClinVar:

NM_012199.5(AGO1):c.784G>A (p.Gly262Ser)

Genes: AGO1 (argonaute RISC component 1; plus strand), LOC129930123 (ATAC-STARR-seq lymphoblastoid active region 740; plus strand). Cytogenetic location: 1p34.3.
Variant type: single nucleotide variant.
Coding change: c.784G>A on transcript NM_012199.5 (MANE Select); coding-DNA position 784, G replaced by A.
Protein change: p.Gly262Ser; replaces glycine 262 with serine.
Molecular consequence: missense variant.
Genome position (GRCh38, 1-based): chr1:35,894,171, G>A. VCF-style: chr1-35894171-G-A. GRCh37 (hg19) VCF-style: chr1-36359772-G-A.
Other names: c.784G>A, p.Gly262Ser (NM_001317122.2); c.559G>A, p.Gly187Ser (NM_001317123.2); short protein forms G187S, G262S.
Identifiers: ClinVar variation 3235809 (VCV003235809.1), dbSNP rs2523842348, ClinGen allele CA339368795.

ClinVar aggregate classification (germline): Uncertain significance (1 of 4 stars; one submission).

Submission:

Greenwood Genetic Center Diagnostic Laboratories, Greenwood Genetic Center
Classification: Uncertain significance. Last evaluated: 2024-03-22. Review status: criteria provided, single submitter. Criteria: ACMG Guidelines, 2015. Collection method: clinical testing. Allele origin: germline. Affected: yes.
Comment: PM2